The following is an entry in ClinVar:

ClinVar aggregate classification (germline): Likely benign (1 of 4 stars; one submission).

Conditions:
Hemochromatosis type 2A (HFE2A). Also called: Adult-Onset Hemochromatosis; HJV (HFE2)-Related Juvenile Hemochromatosis. Identifiers: Orphanet 79230, MedGen C1865614, MONDO:0011216, OMIM 602390.

Allele frequency attached by ClinVar (database versions not stated): 1000 Genomes Project 0.00220; 1000 Genomes Project 30x 0.00234; gnomAD 0.00256 and 0.00277; TOPMed 0.00272.

Submission:

Illumina Laboratory Services, Illumina
Classification: Likely benign for Hemochromatosis type 2A. Last evaluated: 2018-01-12. Review status: criteria provided, single submitter. Criteria: ICSL Variant Classification Criteria 13 December 2019. Collection method: clinical testing. Allele origin: germline.
Comment: This variant was observed in the ICSL laboratory as part of a predisposition screen in an ostensibly healthy population. It had not been previously curated by ICSL or reported in the Human Gene Mutation Database (HGMD: prior to June 1st, 2018), and was therefore a candidate for classification through an automated scoring system. Utilizing variant allele frequency, disease prevalence and penetrance estimates, and inheritance mode, an automated score was calculated to assess if this variant is too frequent to cause the disease. Based on the score and internal cut-off values, a variant classified as likely benign is not then subjected to further curation. The score for this variant resulted in a classification of likely benign for this disease.

NM_213653.4(HJV):c.-135T>C

Gene: HJV (hemojuvelin BMP co-receptor; minus strand). Cytogenetic location: 1q21.1.
Variant type: single nucleotide variant.
Coding change: c.-135T>C on transcript NM_213653.4 (MANE Select); 135 bases upstream of the start codon, T replaced by C.
Molecular consequence: 5 prime UTR variant.
Genome position (GRCh38, 1-based): chr1:146,021,632, A>G on the plus strand (T>C on the coding strand, the complement: HJV is on the minus strand). VCF-style: chr1-146021632-A-G. GRCh37 (hg19) VCF-style: chr1-145413381-T-C.
Other names: c.-290T>C (NM_001316767.2); c.-153T>C (NM_001379352.1); c.-288T>C (NM_145277.5); c.-104T>C (NM_202004.4); c.-67T>C (NM_213652.4).
Identifiers: ClinVar variation 292418 (VCV000292418.5), dbSNP rs111753853, ClinGen allele CA10607764.